The following is an entry in ClinVar:

NM_000465.4(BARD1):c.1026C>T (p.Ser342=)

Gene: BARD1 (BRCA1 associated RING domain 1; minus strand). Cytogenetic location: 2q35.
Variant type: single nucleotide variant.
Coding change: c.1026C>T on transcript NM_000465.4 (MANE Select); coding-DNA position 1026, C replaced by T.
Protein change: p.Ser342=; no amino-acid change (serine 342 retained).
Molecular consequence: synonymous variant. On other transcripts: non-coding transcript variant (2), intron variant (3).
Genome position (GRCh38, 1-based): chr2:214,780,848, G>A on the plus strand (C>T on the coding strand, the complement: BARD1 is on the minus strand). VCF-style: chr2-214780848-G-A. GRCh37 (hg19) VCF-style: chr2-215645572-G-A.
Other names: c.969C>T, p.Ser323= (NM_001282543.2); c.159-28293C>T (NM_001282548.2); c.215+16213C>T (NM_001282545.2); c.364+11449C>T (NM_001282549.2).
Identifiers: ClinVar variation 2565209 (VCV002565209.3), dbSNP rs1694969503, ClinGen allele CA431390689.

ClinVar aggregate classification (germline): Benign/Likely benign. Review status: criteria provided, multiple submitters, no conflicts (2 of 4 stars). 2 submissions from 2 submitters: Benign (1); Likely benign (1). Last evaluated 2024-07-23.

Conditions:
Hereditary cancer-predisposing syndrome. Also called: Neoplastic Syndromes, Hereditary; Hereditary Cancer Syndrome; Hereditary neoplastic syndrome; Tumor predisposition. Identifiers: Orphanet 140162, MedGen C0027672, MeSH D009386, MONDO:0015356.
Familial cancer of breast. Also called: Hereditary breast cancer; hereditary breast carcinoma; BREAST CANCER, FAMILIAL. Identifiers: Orphanet 227535, MedGen C0346153, MONDO:0016419, OMIM 114480. Disease mechanism: loss of function.

Allele frequency attached by ClinVar (database versions not stated): gnomAD exomes below 0.00001.
gnomAD v4.1: 1 of 1,614,104 alleles (0.000062%); highest among the groups gnomAD compares: Non-Finnish European, 0.000085%; no homozygotes.

Submissions (2):

Myriad Genetics, Inc.
Classification: Benign for Familial cancer of breast. Last evaluated: 2024-07-23. Review status: criteria provided, single submitter. Criteria: Myriad Autosomal Dominant, Autosomal Recessive and X-Linked Classification Criteria (2023). Collection method: clinical testing. Allele origin: unknown.
Comment: This variant is considered benign. This variant is a silent/synonymous amino acid change and it is not expected to impact splicing.

Ambry Genetics
Classification: Likely benign for Hereditary cancer-predisposing syndrome. Last evaluated: 2023-05-28. Review status: criteria provided, single submitter. Criteria: Ambry Variant Classification Scheme 2023. Collection method: clinical testing. Allele origin: germline.